The following is an entry in ClinVar:

ClinVar aggregate classification (germline): Uncertain significance (1 of 4 stars; one submission).

Conditions:
Premature ovarian failure 5 (POF5). Identifiers: MedGen C1969060, MONDO:0012689, OMIM 611548.

Allele frequency attached by ClinVar (database versions not stated): gnomAD exomes 0.00012 and 0.00007; ExAC 0.00014; gnomAD 0.00017 and 0.00018; TOPMed 0.00019.
gnomAD v4.1: 140 of 1,531,354 alleles (0.0091%); highest among the groups gnomAD compares: Middle Eastern, 0.22%; no homozygotes.

Submission:

Baylor Genetics
Classification: Uncertain significance for Premature ovarian failure 5. Last evaluated: 2019-08-13. Review status: criteria provided, single submitter. Criteria: ACMG Guidelines, 2015. Collection method: clinical testing. Allele origin: unknown. Affected: yes.
Comment: This variant was determined to be of uncertain significance according to ACMG Guidelines, 2015 [PMID:25741868].

NM_001436401.1(NOBOX):c.1118+5G>A

Gene: NOBOX (NOBOX oogenesis homeobox; minus strand). Cytogenetic location: 7q35.
Variant type: single nucleotide variant.
Coding change: c.1118+5G>A on transcript NM_001436401.1 (MANE Select); 5 bases into the intron after coding-DNA position 1118, G replaced by A.
Molecular consequence: intron variant.
Genome position (GRCh38, 1-based): chr7:144,398,945, C>T on the plus strand (G>A on the coding strand, the complement: NOBOX is on the minus strand). VCF-style: chr7-144398945-C-T. GRCh37 (hg19) VCF-style: chr7-144096038-C-T.
Other names: NM_001080413.3:c.1469+5G>A; c.566+5G>A (NM_001436402.1).
Identifiers: ClinVar variation 1030082 (VCV001030082.1), dbSNP rs758913213, ClinGen allele CA4544550.